The following is an entry in ClinVar:

NM_001017995.3(SH3PXD2B):c.971G>A (p.Arg324Gln)

Gene: SH3PXD2B (SH3 and PX domains 2B; minus strand). Cytogenetic location: 5q35.1.
Variant type: single nucleotide variant.
Coding change: c.971G>A on transcript NM_001017995.3 (MANE Select); coding-DNA position 971, G replaced by A.
Protein change: p.Arg324Gln; replaces arginine 324 with glutamine.
Molecular consequence: missense variant.
Genome position (GRCh38, 1-based): chr5:172,350,404, C>T on the plus strand (G>A on the coding strand, the complement: SH3PXD2B is on the minus strand). VCF-style: chr5-172350404-C-T. GRCh37 (hg19) VCF-style: chr5-171777408-C-T.
Other names: c.971G>A, p.Arg324Gln (NM_001308175.2); short protein forms R324Q.
Identifiers: ClinVar variation 2417265 (VCV002417265.5), dbSNP rs932019598, ClinGen allele CA132164178.

ClinVar aggregate classification (germline): Conflicting classifications of pathogenicity. Review status: criteria provided, conflicting classifications (1 of 4 stars). 2 submissions from 2 submitters: Uncertain significance (1); Likely benign (1). Last evaluated 2024-09-20.

Conditions:
Frank-Ter Haar syndrome. Also called: Borrone di Rocco Crovato syndrome; MELNICK-NEEDLES SYNDROME, AUTOSOMAL RECESSIVE; TER HAAR SYNDROME; BORRONE DERMATOCARDIOSKELETAL SYNDROME. Identifiers: Orphanet 1266, Orphanet 137834, MedGen C1855305, MONDO:0009579, OMIM 249420.

Allele frequency attached by ClinVar (database versions not stated): gnomAD exomes 0.00001; TOPMed 0.00002; gnomAD 0.00003.
gnomAD v4.1: 23 of 1,613,822 alleles (0.0014%); highest among the groups gnomAD compares: South Asian, 0.0088%; no homozygotes.

Submissions (2):

3billion
Classification: Likely benign for Frank-Ter Haar syndrome. Last evaluated: 2024-09-20. Review status: criteria provided, single submitter. Criteria: ACMG Guidelines, 2015. Collection method: clinical testing. Allele origin: germline. Affected: no.
Comment: The homozygous variant was found in patients diagnosed with another variant in a different gene, with no symptoms related to the gene containing the homozygous variant.

Labcorp Genetics (formerly Invitae), Labcorp
Classification: Uncertain significance. Last evaluated: 2024-02-20. Review status: criteria provided, single submitter. Criteria: Invitae Variant Classification Sherloc (09022015). Collection method: clinical testing. Allele origin: germline.
Comment: This sequence change replaces arginine, which is basic and polar, with glutamine, which is neutral and polar, at codon 324 of the SH3PXD2B protein (p.Arg324Gln). This variant is present in population databases (no rsID available, gnomAD 0.008%). This variant has not been reported in the literature in individuals affected with SH3PXD2B-related conditions. ClinVar contains an entry for this variant (Variation ID: 2417265). An algorithm developed to predict the effect of missense changes on protein structure and function (PolyPhen-2) suggests that this variant¬†is likely to be tolerated. In summary, the available evidence is currently insufficient to determine the role of this variant in disease. Therefore, it has been classified as a Variant of Uncertain Significance.